The following is an entry in ClinVar:

ClinVar aggregate classification (germline): Uncertain significance (1 of 4 stars; one submission).

Conditions:
Charcot-Marie-Tooth disease type 2R. Also called: CHARCOT-MARIE-TOOTH DISEASE, AXONAL, AUTOSOMAL RECESSIVE, TYPE 2R; Charcot-Marie-Tooth disease, axonal, type 2R; CHARCOT-MARIE-TOOTH NEUROPATHY, TYPE 2R. Identifiers: Orphanet 397968, MedGen C3809655, MONDO:0014208, OMIM 615490.

Allele frequency attached by ClinVar (database versions not stated): gnomAD exomes below 0.00001; ExAC 0.00001; gnomAD 0.00001; TOPMed 0.00001; ESP Exome Variant Server 0.00008.
gnomAD v4.1: 1 of 1,613,756 alleles (0.000062%); highest among the groups gnomAD compares: African/African-American, 0.0013%; no homozygotes.

Submission:

Labcorp Genetics (formerly Invitae), Labcorp
Classification: Uncertain significance for Charcot-Marie-Tooth disease type 2R. Last evaluated: 2021-08-05. Review status: criteria provided, single submitter. Criteria: Invitae Variant Classification Sherloc (09022015). Collection method: clinical testing. Allele origin: germline.
Comment: In summary, the available evidence is currently insufficient to determine the role of this variant in disease. Therefore, it has been classified as a Variant of Uncertain Significance. This variant has not been reported in the literature in individuals affected with TRIM2-related conditions. This variant is present in population databases (rs374278756, ExAC 0.009%). This sequence change creates a premature translational stop signal (p.Arg423*) in the TRIM2 gene. It is expected to result in an absent or disrupted protein product. However, the current clinical and genetic evidence is not sufficient to establish whether loss-of-function variants in TRIM2 cause disease.

NM_015271.5(TRIM2):c.1348C>T (p.Arg450Ter)

Gene: TRIM2 (tripartite motif containing 2; plus strand). Cytogenetic location: 4q31.3.
Variant type: single nucleotide variant.
Coding change: c.1348C>T on transcript NM_015271.5 (MANE Select); coding-DNA position 1348, C replaced by T.
Protein change: p.Arg450Ter; replaces arginine 450 with a stop codon.
Molecular consequence: nonsense.
Genome position (GRCh38, 1-based): chr4:153,295,874, C>T. VCF-style: chr4-153295874-C-T. GRCh37 (hg19) VCF-style: chr4-154217026-C-T.
Other names: c.1267C>T, p.Arg423Ter (NM_001130067.2, NM_001351056.2, NM_001375512.1 and 5 more transcripts); c.1321C>T, p.Arg441Ter (NM_001351054.2); c.1318C>T, p.Arg440Ter (NM_001351055.2); c.892C>T, p.Arg298Ter (NM_001351057.2); c.1441C>T, p.Arg481Ter (NM_001375488.1); c.1438C>T, p.Arg480Ter (NM_001375489.1); c.1291C>T, p.Arg431Ter (NM_001375490.1); c.1288C>T, p.Arg430Ter (NM_001375491.1); and 3 more; short protein forms R423*, R430*, R450*, R480*, R339*, R440*, R338*, R441*.
Identifiers: ClinVar variation 1467040 (VCV001467040.6), dbSNP rs374278756, ClinGen allele CA3108722.
Genomic context (GRCh38, chr4:153,295,874, plus strand): 5'-CTGTCTCTGAGACTCTATGACCAGCACATCCGAGGCAGCCCGTTTAAGCTGAAAGTGATC[C>T]GATCCGCTGATGTGTCTCCCACCACAGAAGGCGTGAAGAGGCGCGTTAAGTCCCCGGGGA-3'